The following is an entry in ClinVar:

ClinVar aggregate classification (germline): Uncertain significance. Review status: criteria provided, multiple submitters, no conflicts (2 of 4 stars). 2 submissions from 2 submitters: Uncertain significance (2). Last evaluated 2025-01-30.

Allele frequency attached by ClinVar (database versions not stated): TOPMed below 0.00001; gnomAD 0.00001 and 0.00002; ExAC 0.00002; gnomAD exomes 0.00002.
gnomAD v4.1: 22 of 1,614,010 alleles (0.0014%); highest among the groups gnomAD compares: South Asian, 0.021%; no homozygotes.

Submissions (2):

Labcorp Genetics (formerly Invitae), Labcorp
Classification: Uncertain significance. Last evaluated: 2025-01-30. Review status: criteria provided, single submitter. Criteria: Invitae Variant Classification Sherloc (09022015). Collection method: clinical testing. Allele origin: germline.
Comment: This sequence change replaces alanine, which is neutral and non-polar, with serine, which is neutral and polar, at codon 547 of the RP1 protein (p.Ala547Ser). This variant is present in population databases (rs747488488, gnomAD 0.02%). This variant has not been reported in the literature in individuals affected with RP1-related conditions. ClinVar contains an entry for this variant (Variation ID: 1018865). An algorithm developed to predict the effect of missense changes on protein structure and function outputs the following: PolyPhen-2: "Benign". The serine amino acid residue is found in multiple mammalian species, which suggests that this missense change does not adversely affect protein function. In summary, the available evidence is currently insufficient to determine the role of this variant in disease. Therefore, it has been classified as a Variant of Uncertain Significance.

Blueprint Genetics
Classification: Uncertain significance. Last evaluated: 2024-03-19. Review status: criteria provided, single submitter. Criteria: ACMG Guidelines, 2015. Collection method: clinical testing. Allele origin: germline.

NM_006269.2(RP1):c.1639G>T (p.Ala547Ser)

Gene: RP1 (RP1 axonemal microtubule associated; plus strand). Cytogenetic location: 8q12.1.
Variant type: single nucleotide variant.
Coding change: c.1639G>T on transcript NM_006269.2 (MANE Select); coding-DNA position 1639, G replaced by T.
Protein change: p.Ala547Ser; replaces alanine 547 with serine.
Molecular consequence: missense variant. On other transcripts: intron variant (1).
Genome position (GRCh38, 1-based): chr8:54,625,521, G>T. VCF-style: chr8-54625521-G-T. GRCh37 (hg19) VCF-style: chr8-55538081-G-T.
Other names: c.787+3233G>T (NM_001375654.1); short protein forms A547S.
Identifiers: ClinVar variation 1018865 (VCV001018865.9), dbSNP rs747488488, ClinGen allele CA4751413.